The following is an entry in ClinVar:

NM_001370466.1(NOD2):c.963A>G (p.Leu321=)

Gene: NOD2 (nucleotide binding oligomerization domain containing 2; plus strand). Cytogenetic location: 16q12.1.
Variant type: single nucleotide variant.
Coding change: c.963A>G on transcript NM_001370466.1 (MANE Select); coding-DNA position 963, A replaced by G.
Protein change: p.Leu321=; no amino-acid change (leucine 321 retained).
Molecular consequence: synonymous variant. On other transcripts: non-coding transcript variant (1).
Genome position (GRCh38, 1-based): chr16:50,710,955, A>G. VCF-style: chr16-50710955-A-G. GRCh37 (hg19) VCF-style: chr16-50744866-A-G.
Other names: c.963A>G, p.Leu321= (NM_001293557.2); c.1044A>G, p.Leu348= (NM_022162.3).
Identifiers: ClinVar variation 1675106 (VCV001675106.7), dbSNP rs2150808670, ClinGen allele CA495778483.

ClinVar aggregate classification (germline): Conflicting classifications of pathogenicity. Review status: criteria provided, conflicting classifications (1 of 4 stars). 2 submissions from 2 submitters: Uncertain significance (1); Likely benign (1). Last evaluated 2022-10-05.

Conditions:
Psoriatic arthritis, susceptibility to. Identifiers: MedGen C1835223, MONDO:0100232, OMIM 607507.
Blau syndrome (BLAUS). Also called: ARTHROCUTANEOUVEAL GRANULOMATOSIS; GRANULOMATOSIS, FAMILIAL JUVENILE SYSTEMIC; GRANULOMATOSIS, FAMILIAL, BLAU TYPE; GRANULOMATOUS INFLAMMATORY ARTHRITIS, DERMATITIS, AND UVEITIS, FAMILIAL; JABS SYNDROME. Identifiers: Orphanet 90340, MedGen C5201146, MONDO:0008523, OMIM 186580.
Yao syndrome. Also called: Susceptibility to Yao syndrome. Identifiers: MedGen C4310620, MONDO:0015019, OMIM 617321.
Inflammatory bowel disease 1 (IBD1). Also called: Inflammatory bowel disease 1, Crohn disease; INFLAMMATORY BOWEL DISEASE (CROHN DISEASE) 1. Identifiers: MedGen CN260071, MONDO:0009960, OMIM 266600.
Regional enteritis. Also called: Enteritis, Granulomatous. Identifiers: MedGen C0678202, MeSH D003424.

gnomAD v4.1: 10 of 1,613,762 alleles (0.00062%); highest among the groups gnomAD compares: Non-Finnish European, 0.00085%; no homozygotes.

Submissions (2):

Labcorp Genetics (formerly Invitae), Labcorp
Classification: Likely benign for Regional enteritis; Blau syndrome. Last evaluated: 2022-10-05. Review status: criteria provided, single submitter. Criteria: Invitae Variant Classification Sherloc (09022015). Collection method: clinical testing. Allele origin: germline.

Center for Genomics, Ann and Robert H. Lurie Children's Hospital of Chicago
Classification: Uncertain significance for Blau syndrome; Inflammatory bowel disease 1; Psoriatic arthritis, susceptibility to; Yao syndrome. Review status: criteria provided, single submitter. Criteria: ACMG Guidelines, 2015. Collection method: clinical testing. Allele origin: germline.
Comment: NOD2 NM_022162.2 exon 4 p.Leu348= (c.1044A>G):This variant has not been reported in the literature and is not present in large control databases. Evolutionary conservation and computational predictive tools for this variant are limited or unavailable. Of note, this variant is a silent variant and does not change the amino acid, reducing the probability that this variant is disease causing. In summary, data on this variant is insufficient for disease classification. Therefore, the clinical significance of this variant is uncertain